The following is an entry in ClinVar:

NM_001199862.2(KCNAB2):c.1176A>G (p.Ser392=)

Gene: KCNAB2 (potassium voltage-gated channel subfamily A regulatory beta subunit 2; plus strand). Cytogenetic location: 1p36.31.
Variant type: single nucleotide variant.
Coding change: c.1176A>G on transcript NM_001199862.2 (MANE Select); coding-DNA position 1176, A replaced by G.
Protein change: p.Ser392=; no amino-acid change (serine 392 retained).
Molecular consequence: synonymous variant.
Genome position (GRCh38, 1-based): chr1:6,098,502, A>G. VCF-style: chr1-6098502-A-G. GRCh37 (hg19) VCF-style: chr1-6158562-A-G.
Other names: c.1032A>G, p.Ser344= (NM_001199860.2, NM_001199861.2, NM_003636.4); c.831A>G, p.Ser277= (NM_001199863.2); c.990A>G, p.Ser330= (NM_172130.3).
Identifiers: ClinVar variation 1285654 (VCV001285654.4), dbSNP rs2229002, ClinGen allele CA555513.

ClinVar aggregate classification (germline): Benign. Review status: criteria provided, multiple submitters, no conflicts (2 of 4 stars). 3 submissions from 3 submitters: Benign (2). 1 of the submissions does not count toward it. Last evaluated 2019-10-21.

Conditions:
KCNAB2-related disorder. Also called: KCNAB2-related condition.

Allele frequency attached by ClinVar (database versions not stated): 1000 Genomes Project 0.54393; 1000 Genomes Project 30x 0.55434; ExAC 0.57496; gnomAD exomes 0.57511 and 0.60686; TOPMed 0.61265; gnomAD 0.61350; ESP Exome Variant Server 0.61458.

Submissions (3):

GeneDx
Classification: Benign. Last evaluated: 2019-10-21. Review status: criteria provided, single submitter. Criteria: GeneDx Variant Classification Process June 2021. Collection method: clinical testing. Allele origin: germline. Affected: yes.

Breakthrough Genomics
Classification: Benign. Review status: criteria provided, single submitter. Criteria: ACMG Guidelines, 2015. Collection method: not provided. Allele origin: germline. Inheritance: Unknown mechanism. Affected: yes.

PreventionGenetics, part of Exact Sciences
Classification: Benign for KCNAB2-related condition. Last evaluated: 2019-10-16. Review status: no assertion criteria provided. Collection method: clinical testing. Allele origin: germline. Not counted in ClinVar's aggregate classification.
Comment: This variant is classified as benign based on ACMG/AMP sequence variant interpretation guidelines (Richards et al. 2015 PMID: 25741868, with internal and published modifications).